The following is an entry in ClinVar:

ClinVar aggregate classification (germline): Conflicting classifications of pathogenicity. Review status: criteria provided, conflicting classifications (1 of 4 stars). 4 submissions from 4 submitters: Pathogenic (1); Likely pathogenic (1); Uncertain significance (2). Last evaluated 2025-01-16.

Conditions:
Retinitis pigmentosa 49 (RP49). Identifiers: Orphanet 791, MedGen C3151059, MONDO:0013405, OMIM 613756.
CNGA1-related disorder. Also called: CNGA1-related condition.
Retinitis pigmentosa (RP). Identifiers: Orphanet 791, MedGen C0035334, MeSH D012174, MONDO:0019200, OMIM 268000. Inheritance: Autosomal dominant, autosomal recessive and X linked inheritance.

Allele frequency attached by ClinVar (database versions not stated): gnomAD 0.00001 and 0.00002; ExAC 0.00002; gnomAD exomes 0.00002 and 0.00003; TOPMed 0.00002.
gnomAD v4.1: 41 of 1,614,022 alleles (0.0025%); highest among the groups gnomAD compares: Middle Eastern, 0.066%; no homozygotes.

Submissions (4):

Labcorp Genetics (formerly Invitae), Labcorp
Classification: Uncertain significance. Last evaluated: 2025-01-16. Review status: criteria provided, single submitter. Criteria: Invitae Variant Classification Sherloc (09022015). Collection method: clinical testing. Allele origin: germline.
Comment: This sequence change replaces valine, which is neutral and non-polar, with alanine, which is neutral and non-polar, at codon 378 of the CNGA1 protein (p.Val378Ala). This variant is present in population databases (rs765792753, gnomAD 0.005%). This missense change has been observed in individual(s) with inherited retinal dystrophy (PMID: 34906470). This variant is also known as c.1340T>C (p.Val447Ala). ClinVar contains an entry for this variant (Variation ID: 813035). Invitae Evidence Modeling of protein sequence and biophysical properties (such as structural, functional, and spatial information, amino acid conservation, physicochemical variation, residue mobility, and thermodynamic stability) indicates that this missense variant is not expected to disrupt CNGA1 protein function with a negative predictive value of 80%. In summary, the available evidence is currently insufficient to determine the role of this variant in disease. Therefore, it has been classified as a Variant of Uncertain Significance.

Blueprint Genetics
Classification: Likely pathogenic for CNGA1-related disorders. Last evaluated: 2024-10-10. Review status: criteria provided, single submitter. Criteria: ACMG Guidelines, 2015. Collection method: clinical testing. Allele origin: germline. Affected: yes. Observed: 5 variant alleles.

Ocular Genomics Institute, Massachusetts Eye and Ear
Classification: Uncertain significance for Retinitis pigmentosa 49. Last evaluated: 2021-04-08. Review status: criteria provided, single submitter. Criteria: ACMG Guidelines, 2015. Collection method: research. Allele origin: germline. Affected: yes.
Comment: Through a review of available evidence we were able to apply the following criteria: PM2. Based on this evidence we have classified this variant as Variant of Uncertain Significance.

Molecular Genetics Laboratory, Institute for Ophthalmic Research
Classification: Pathogenic for Retinitis pigmentosa. Last evaluated: 2020-01-09. Review status: criteria provided, single submitter. Criteria: ACMG Guidelines, 2015. Collection method: research. Allele origin: germline. Affected: yes.

Literature cited by the submitters: PubMed 34906470 (cited by Labcorp Genetics (formerly Invitae), Labcorp).

NM_001379270.1(CNGA1):c.1121T>C (p.Val374Ala)

Genes: CNGA1 (cyclic nucleotide gated channel subunit alpha 1; minus strand), LOC101927157 (uncharacterized LOC101927157; plus strand). Cytogenetic location: 4p12.
Variant type: single nucleotide variant.
Coding change: c.1121T>C on transcript NM_001379270.1 (MANE Select); coding-DNA position 1121, T replaced by C.
Protein change: p.Val374Ala; replaces valine 374 with alanine.
Molecular consequence: missense variant.
Genome position (GRCh38, 1-based): chr4:47,937,361, A>G on the plus strand (T>C on the coding strand, the complement: CNGA1 is on the minus strand). VCF-style: chr4-47937361-A-G. GRCh37 (hg19) VCF-style: chr4-47939378-A-G.
Other names: c.1121T>C, p.Val374Ala (NM_000087.5, NM_001142564.2); short protein forms V447A, V374A.
Identifiers: ClinVar variation 813035 (VCV000813035.7), dbSNP rs765792753, ClinGen allele CA2911129.